The following is an entry in ClinVar:

ClinVar aggregate classification (germline): Pathogenic/Likely pathogenic. Review status: criteria provided, multiple submitters, no conflicts (2 of 4 stars). 4 submissions from 4 submitters: Pathogenic (2); Likely pathogenic (1). 1 of the submissions does not count toward it. Last evaluated 2021-10-04.

Conditions:
Retinitis pigmentosa 54 (RP54). Identifiers: Orphanet 791, MedGen C3150691, MONDO:0013263, OMIM 613428.
C2ORF71 & PCARE-related disorders.

Submissions (4):

Blueprint Genetics
Classification: Likely pathogenic for C2ORF71 & PCARE-related disorders. Last evaluated: 2021-10-04. Review status: criteria provided, single submitter. Criteria: ACMG Guidelines, 2015. Collection method: clinical testing. Allele origin: germline. Affected: yes. Observed: 3 variant alleles.

Labcorp Genetics (formerly Invitae), Labcorp
Classification: Pathogenic. Last evaluated: 2021-03-27. Review status: criteria provided, single submitter. Criteria: Invitae Variant Classification Sherloc (09022015). Collection method: clinical testing. Allele origin: germline.
Comment: For these reasons, this variant has been classified as Pathogenic. This variant has not been reported in the literature in individuals with PCARE-related conditions. ClinVar contains an entry for this variant (Variation ID: 522284). This variant is not present in population databases (ExAC no frequency). This sequence change creates a premature translational stop signal (p.Ser516Ilefs*5) in the PCARE gene. It is expected to result in an absent or disrupted protein product. Loss-of-function variants in PCARE are known to be pathogenic (PMID: 20398886, 24339724, 26496393).

Clinical Genetics DNA and cytogenetics Diagnostics Lab, Erasmus MC, Erasmus Medical Center
Classification: Pathogenic for Retinitis pigmentosa 54. Last evaluated: 2017-05-31. Review status: criteria provided, single submitter. Criteria: ACGS Guidelines, 2013. Collection method: clinical testing. Allele origin: germline. Affected: yes. Study: VKGL Data-share Consensus.

Clinical Genetics, Academic Medical Center
Classification: Pathogenic. Review status: no assertion criteria provided. Collection method: clinical testing. Allele origin: germline. Affected: yes. Study: VKGL Data-share Consensus. Not counted in ClinVar's aggregate classification.

Literature cited by the submitters: PubMed 20398886 (cited by Labcorp Genetics (formerly Invitae), Labcorp); PubMed 24339724 (cited by Labcorp Genetics (formerly Invitae), Labcorp); PubMed 26496393 (cited by Labcorp Genetics (formerly Invitae), Labcorp).

NM_001029883.3(PCARE):c.1545dup (p.Ser516fs)

Gene: PCARE (photoreceptor cilium actin regulator; minus strand). Cytogenetic location: 2p23.2.
Variant type: Duplication.
Coding change: c.1545dup on transcript NM_001029883.3 (MANE Select); coding-DNA position 1545, one base duplicated (A; older notation c.1545dupA).
Protein change: p.Ser516fs; shifts the reading frame from serine 516.
Molecular consequence: frameshift variant.
Genome position (GRCh38, 1-based): chr2:29,072,717, T duplicated on the plus strand (A on the coding strand, the reverse complement: PCARE is on the minus strand); the first of 2 consecutive T bases (chr2:29,072,717-29,072,718); duplicating either gives the same sequence. VCF-style (leftmost placement, unchanged base first): chr2-29072716-A-AT. GRCh37 (hg19) VCF-style: chr2-29295582-A-AT.
Other names: c.1545dupA (NM_001029883.2); short protein forms S516fs.
Identifiers: ClinVar variation 522284 (VCV000522284.10), dbSNP rs1553354826, ClinGen allele CA658795701.